The following is an entry in ClinVar:

NM_000465.4(BARD1):c.1677+9G>A

Gene: BARD1 (BRCA1 associated RING domain 1; minus strand). Cytogenetic location: 2q35.
Variant type: single nucleotide variant.
Coding change: c.1677+9G>A on transcript NM_000465.4 (MANE Select); 9 bases into the intron after coding-DNA position 1677, G replaced by A.
Molecular consequence: intron variant.
Genome position (GRCh38, 1-based): chr2:214,752,438, C>T on the plus strand (G>A on the coding strand, the complement: BARD1 is on the minus strand). VCF-style: chr2-214752438-C-T. GRCh37 (hg19) VCF-style: chr2-215617162-C-T.
Other names: c.267+9G>A (NM_001282548.2); c.1620+9G>A (NM_001282543.2); c.324+9G>A (NM_001282545.2); c.365-21930G>A (NM_001282549.2).
Identifiers: ClinVar variation 3378485 (VCV003378485.1).

ClinVar aggregate classification (germline): Likely benign (1 of 4 stars; one submission).

Conditions:
Familial cancer of breast. Also called: hereditary breast carcinoma; Hereditary breast cancer; BREAST CANCER, FAMILIAL. Identifiers: Orphanet 227535, MedGen C0346153, MONDO:0016419, OMIM 114480. Disease mechanism: loss of function.

Submission:

Myriad Genetics, Inc.
Classification: Likely benign for Familial cancer of breast. Last evaluated: 2024-07-26. Review status: criteria provided, single submitter. Criteria: Myriad Autosomal Dominant, Autosomal Recessive and X-Linked Classification Criteria (2023). Collection method: clinical testing. Allele origin: unknown.
Comment: This variant is considered likely benign. This variant is intronic and is not expected to impact mRNA splicing.